The following is an entry in ClinVar:

NM_000836.4(GRIN2D):c.3697_3714del (p.Pro1233_Ala1238del)

Gene: GRIN2D (glutamate ionotropic receptor NMDA type subunit 2D; plus strand). Cytogenetic location: 19q13.33.
Variant type: Deletion.
Coding change: c.3697_3714del on transcript NM_000836.4 (MANE Select); coding-DNA positions 3697 to 3714, 18 bases deleted (CCGCACCGCCCGCGGGCC).
Protein change: p.Pro1233_Ala1238del.
Molecular consequence: inframe deletion.
Genome position (GRCh38, 1-based): chr19:48,443,623-48,443,640, CCGCACCGCCCGCGGGCC deleted; deleting any 18 consecutive bases within chr19:48,443,622-48,443,640 gives the same sequence; the c. name uses the placement nearest the transcript's 3' end. VCF-style (leftmost placement, unchanged base first): chr19-48443621-ACCCGCACCGCCCGCGGGC-A. GRCh37 (hg19) VCF-style: chr19-48946878-ACCCGCACCGCCCGCGGGC-A.
Identifiers: ClinVar variation 1996984 (VCV001996984.4), dbSNP rs1971337592, ClinGen allele CA2339898753.

ClinVar aggregate classification (germline): Uncertain significance (1 of 4 stars; one submission).

Submission:

Labcorp Genetics (formerly Invitae), Labcorp
Classification: Uncertain significance. Last evaluated: 2022-05-20. Review status: criteria provided, single submitter. Criteria: Invitae Variant Classification Sherloc (09022015). Collection method: clinical testing. Allele origin: germline.
Comment: This variant, c.3697_3714del, results in the deletion of 6 amino acid(s) of the GRIN2D protein (p.Pro1233_Ala1238del), but otherwise preserves the integrity of the reading frame. The frequency data for this variant in the population databases is considered unreliable, as metrics indicate insufficient coverage at this position in the gnomAD database. This variant has not been reported in the literature in individuals affected with GRIN2D-related conditions. Experimental studies and prediction algorithms are not available or were not evaluated, and the functional significance of this variant is currently unknown. In summary, the available evidence is currently insufficient to determine the role of this variant in disease. Therefore, it has been classified as a Variant of Uncertain Significance.